The following is an entry in ClinVar:

NM_015915.5(ATL1):c.1237T>A (p.Phe413Ile)

Gene: ATL1 (atlastin GTPase 1; plus strand). Cytogenetic location: 14q22.1.
Variant type: single nucleotide variant.
Coding change: c.1237T>A on transcript NM_015915.5 (MANE Select); coding-DNA position 1237, T replaced by A.
Protein change: p.Phe413Ile; replaces phenylalanine 413 with isoleucine.
Molecular consequence: missense variant.
Genome position (GRCh38, 1-based): chr14:50,628,148, T>A. VCF-style: chr14-50628148-T-A. GRCh37 (hg19) VCF-style: chr14-51094866-T-A.
Other names: c.1237T>A, p.Phe413Ile (NM_001127713.1, NM_181598.4); short protein forms F413I.
Identifiers: ClinVar variation 3365419 (VCV003365419.1).

ClinVar aggregate classification (germline): Uncertain significance (1 of 4 stars; one submission).

Submission:

GeneDx
Classification: Uncertain significance. Last evaluated: 2023-12-11. Review status: criteria provided, single submitter. Criteria: GeneDx Variant Classification Process June 2021. Collection method: clinical testing. Allele origin: germline. Affected: yes.
Comment: Not observed at significant frequency in large population cohorts (gnomAD); In silico analysis supports that this missense variant has a deleterious effect on protein structure/function; Has not been previously published as pathogenic or benign to our knowledge; This variant is associated with the following publications: (PMID: 23334294)